The following is an entry in ClinVar:

ClinVar aggregate classification (germline): Conflicting classifications of pathogenicity. Review status: criteria provided, conflicting classifications (1 of 4 stars). 2 submissions from 2 submitters: Uncertain significance (1); Likely benign (1). Last evaluated 2024-01-01.

Conditions:
KBG syndrome (KBGS). Also called: ANKRD11-Related KBG Syndrome. Identifiers: Orphanet 2332, MedGen C0220687, MONDO:0007846, OMIM 148050.

gnomAD v4.1: 43 of 1,613,646 alleles (0.0027%); highest among the groups gnomAD compares: Non-Finnish European, 0.0033%; no homozygotes.

Submissions (2):

CeGaT Center for Human Genetics Tuebingen
Classification: Likely benign. Last evaluated: 2024-01-01. Review status: criteria provided, single submitter. Criteria: CeGaT Center For Human Genetics Tuebingen Variant Classification Criteria Version 2. Collection method: clinical testing. Allele origin: germline. Affected: yes. Observed: 1 variant allele.
Comment: ANKRD11: BP1, BP4

Revvity Omics, Revvity
Classification: Uncertain significance for KBG syndrome. Last evaluated: 2022-04-18. Review status: criteria provided, single submitter. Criteria: ACMG Guidelines, 2015. Collection method: clinical testing. Allele origin: germline.

NM_013275.6(ANKRD11):c.2759G>C (p.Arg920Thr)

Gene: ANKRD11 (ankyrin repeat domain 11; minus strand). Cytogenetic location: 16q24.3.
Variant type: single nucleotide variant.
Coding change: c.2759G>C on transcript NM_013275.6 (MANE Select); coding-DNA position 2759, G replaced by C.
Protein change: p.Arg920Thr; replaces arginine 920 with threonine.
Molecular consequence: missense variant.
Genome position (GRCh38, 1-based): chr16:89,283,783, C>G on the plus strand (G>C on the coding strand, the complement: ANKRD11 is on the minus strand). VCF-style: chr16-89283783-C-G. GRCh37 (hg19) VCF-style: chr16-89350191-C-G.
Other names: c.2759G>C, p.Arg920Thr (NM_001256182.2, NM_001256183.2); short protein forms R920T.
Identifiers: ClinVar variation 2439091 (VCV002439091.25), dbSNP rs773527879, ClinGen allele CA286518970.